The following is an entry in ClinVar:

ClinVar aggregate classification (germline): Benign (0 of 4 stars; one submission).

Conditions:
ACTN3-related disorder. Also called: ACTN3-related condition.

Allele frequency attached by ClinVar (database versions not stated): gnomAD exomes 0.54901; 1000 Genomes Project 0.58646; 1000 Genomes Project 30x 0.59135; ExAC 0.59184; TOPMed 0.60275; gnomAD 0.61373; ESP Exome Variant Server 0.63340.
gnomAD v4.1: 892,678 of 1,608,268 alleles (56%); highest among the groups gnomAD compares: African/African-American, 80%; 252,795 homozygotes.

Submission:

PreventionGenetics, part of Exact Sciences
Classification: Benign for ACTN3-related condition. Last evaluated: 2019-10-21. Review status: no assertion criteria provided. Collection method: clinical testing. Allele origin: germline.
Comment: This variant is classified as benign based on ACMG/AMP sequence variant interpretation guidelines (Richards et al. 2015 PMID: 25741868, with internal and published modifications).

NM_001104.4(ACTN3):c.1568G>A (p.Arg523Gln)

Gene: ACTN3 (actinin alpha 3; plus strand). Cytogenetic location: 11q13.2.
Variant type: single nucleotide variant.
Coding change: c.1568G>A on transcript NM_001104.4 (MANE Select); coding-DNA position 1568, G replaced by A.
Protein change: p.Arg523Gln; replaces arginine 523 with glutamine.
Molecular consequence: missense variant.
Genome position (GRCh38, 1-based): chr11:66,560,202, G>A. VCF-style: chr11-66560202-G-A. GRCh37 (hg19) VCF-style: chr11-66327673-G-A.
Other names: c.1697G>A, p.Arg566Gln (NM_001258371.3); short protein forms R523Q, R566Q.
Identifiers: ClinVar variation 3059413 (VCV003059413.2), dbSNP rs1671064, ClinGen allele CA6124772.